The following is an entry in ClinVar:

ClinVar aggregate classification (germline): Uncertain significance (1 of 4 stars; one submission).

Conditions:
Exostoses, multiple, type 1 (EXT1). Also called: Hereditary Multiple Osteochondromatosis, Type I; EXOSTOSES, MULTIPLE, TYPE I. Identifiers: MedGen CN263289, MONDO:0007585, OMIM 133700.

Allele frequency attached by ClinVar (database versions not stated): gnomAD exomes below 0.00001; ExAC 0.00001; TOPMed 0.00001; gnomAD 0.00003.
gnomAD v4.1: 5 of 1,613,184 alleles (0.00031%); highest among the groups gnomAD compares: African/African-American, 0.0053%; no homozygotes.

Submission:

St. Jude Molecular Pathology, St. Jude Children's Research Hospital
Classification: Uncertain significance for Exostoses, multiple, type 1. Last evaluated: 2022-07-07. Review status: criteria provided, single submitter. Criteria: St. Jude Assertion Criteria 2020. Collection method: clinical testing. Allele origin: germline.
Comment: The EXT1 c.1481C>T (p.Ser494Phe) missense change has a maximum subpopulation frequency of 0.0029% in gnomAD v2.1.1. The in silico tool REVEL predicts a deleterious effect on protein function, but to our knowledge this prediction has not been confirmed by functional studies. To our knowledge, this variant has not been reported in individuals with hereditary multiple exostoses. In summary, the evidence currently available is insufficient to determine the clinical significance of this variant. It has therefore been classified as of uncertain significance.

NM_000127.3(EXT1):c.1481C>T (p.Ser494Phe)

Gene: EXT1 (exostosin glycosyltransferase 1; minus strand). Cytogenetic location: 8q24.11.
Variant type: single nucleotide variant.
Coding change: c.1481C>T on transcript NM_000127.3 (MANE Select); coding-DNA position 1481, C replaced by T.
Protein change: p.Ser494Phe; replaces serine 494 with phenylalanine.
Molecular consequence: missense variant.
Genome position (GRCh38, 1-based): chr8:117,819,731, G>A on the plus strand (C>T on the coding strand, the complement: EXT1 is on the minus strand). VCF-style: chr8-117819731-G-A. GRCh37 (hg19) VCF-style: chr8-118831970-G-A.
Other names: short protein forms S494F.
Identifiers: ClinVar variation 1710956 (VCV001710956.1), dbSNP rs773877597, ClinGen allele CA4854127.